The following is an entry in ClinVar:

ClinVar aggregate classification (germline): Uncertain significance (1 of 4 stars; one submission).

gnomAD v4.1: 10 of 1,614,008 alleles (0.00062%); highest among the groups gnomAD compares: African/African-American, 0.013%; no homozygotes.

Submission:

Labcorp Genetics (formerly Invitae), Labcorp
Classification: Uncertain significance. Last evaluated: 2026-01-06. Review status: criteria provided, single submitter. Criteria: Invitae Variant Classification Sherloc (09022015). Collection method: clinical testing. Allele origin: germline.
Comment: This sequence change affects codon 196 of the MAB21L2 mRNA. It is a 'silent' change, meaning that it does not change the encoded amino acid sequence of the MAB21L2 protein. This variant is present in population databases (rs375692912, gnomAD 0.01%). This variant has not been reported in the literature in individuals affected with MAB21L2-related conditions. Experimental studies and prediction algorithms are not available or were not evaluated, and the effect of this variant on mRNA splicing is currently unknown. In summary, the available evidence is currently insufficient to determine the role of this variant in disease. Therefore, it has been classified as a Variant of Uncertain Significance.

NM_006439.5(MAB21L2):c.588C>T (p.Gly196=)

Genes: LRBA (LPS responsive beige-like anchor protein; minus strand), MAB21L2 (mab-21 like 2; plus strand). Cytogenetic location: 4q31.3.
Variant type: single nucleotide variant.
Coding change: c.588C>T on transcript NM_006439.5 (MANE Select); coding-DNA position 588, C replaced by T.
Protein change: p.Gly196=; no amino-acid change (glycine 196 retained).
Molecular consequence: synonymous variant. On other transcripts: intron variant (6).
Genome position (GRCh38, 1-based): chr4:150,583,617, C>T. VCF-style: chr4-150583617-C-T. GRCh37 (hg19) VCF-style: chr4-151504769-C-T.
Other names: c.6330+4431G>A (NM_001367550.1, NM_001199282.3, NM_001364905.1 and 1 more transcripts); c.6363+4431G>A (NM_006726.5, NM_001440430.1).
Identifiers: ClinVar variation 4748351 (VCV004748351.1).
Genomic context (GRCh38, chr4:150,583,617, plus strand): 5'-CACCGGGATCTGGCCTCGCAGCGCGGCACAGTGGCCTATGCCCCACATCCCTTGGCCCGG[C>T]CCCAATCGGGTGGCCGAGGTCAAGGCCGAAGGGTTCAACTTGCTCTCGAAGGAGTGCTAC-3'
Protein context (NP_006430.1, residues 186-206): QWPMPHIPWP[Gly196=]PNRVAEVKAE